The following is an entry in ClinVar:

ClinVar aggregate classification (germline): Uncertain significance. Review status: criteria provided, multiple submitters, no conflicts (2 of 4 stars). 2 submissions from 2 submitters: Uncertain significance (2). Last evaluated 2025-11-17.

Conditions:
Hereditary cancer-predisposing syndrome. Also called: Neoplastic Syndromes, Hereditary; Hereditary Cancer Syndrome; Tumor predisposition; Hereditary neoplastic syndrome. Identifiers: Orphanet 140162, MedGen C0027672, MeSH D009386, MONDO:0015356.
Neuroblastoma, susceptibility to, 3. Also called: ALK-Related Neuroblastic Tumor Susceptibility. Identifiers: Orphanet 635, MedGen C2751681, MONDO:0013083, OMIM 613014.

Allele frequency attached by ClinVar (database versions not stated): gnomAD exomes below 0.00001; TOPMed below 0.00001.
gnomAD v4.1: 2 of 1,607,684 alleles (0.00012%); highest among the groups gnomAD compares: Non-Finnish European, 0.000085%; no homozygotes.

Submissions (2):

Labcorp Genetics (formerly Invitae), Labcorp
Classification: Uncertain significance for Neuroblastoma, susceptibility to, 3. Last evaluated: 2025-11-17. Review status: criteria provided, single submitter. Criteria: Invitae Variant Classification Sherloc (09022015). Collection method: clinical testing. Allele origin: germline.
Comment: This sequence change replaces proline, which is neutral and non-polar, with alanine, which is neutral and non-polar, at codon 1422 of the ALK protein (p.Pro1422Ala). This variant is not present in population databases (gnomAD no frequency). This variant has not been reported in the literature in individuals affected with ALK-related conditions. ClinVar contains an entry for this variant (Variation ID: 582206). An algorithm developed to predict the effect of missense changes on protein structure and function (PolyPhen-2) suggests that this variant is likely to be disruptive. In summary, the available evidence is currently insufficient to determine the role of this variant in disease. Therefore, it has been classified as a Variant of Uncertain Significance.

Ambry Genetics
Classification: Uncertain significance for Hereditary cancer-predisposing syndrome. Last evaluated: 2024-04-16. Review status: criteria provided, single submitter. Criteria: Ambry Variant Classification Scheme 2023. Collection method: clinical testing. Allele origin: germline.
Comment: The p.P1422A variant (also known as c.4264C>G), located in coding exon 29 of the ALK gene, results from a C to G substitution at nucleotide position 4264. The proline at codon 1422 is replaced by alanine, an amino acid with highly similar properties. This amino acid position is conserved. In addition, this alteration is predicted to be tolerated by in silico analysis. Since supporting evidence is limited at this time, the clinical significance of this alteration remains unclear.

NM_004304.5(ALK):c.4264C>G (p.Pro1422Ala)

Gene: ALK (ALK receptor tyrosine kinase; minus strand). Cytogenetic location: 2p23.2.
Variant type: single nucleotide variant.
Coding change: c.4264C>G on transcript NM_004304.5 (MANE Select); coding-DNA position 4264, C replaced by G.
Protein change: p.Pro1422Ala; replaces proline 1422 with alanine.
Molecular consequence: missense variant.
Genome position (GRCh38, 1-based): chr2:29,193,823, G>C on the plus strand (C>G on the coding strand, the complement: ALK is on the minus strand). VCF-style: chr2-29193823-G-C. GRCh37 (hg19) VCF-style: chr2-29416689-G-C.
Other names: c.1060C>G, p.Pro354Ala (NM_001353765.2); short protein forms P1422A, P354A.
Identifiers: ClinVar variation 582206 (VCV000582206.12), dbSNP rs1558604075, ClinGen allele CA346462956.
Genomic context (GRCh38, chr2:29,193,823, plus strand): 5'-GTGGGGCAGCTGGGCTGCGCTCCTCCTCCCGTTTTGCCTGTTGAGAGACCAGGAGAGGAG[G>C]AACCCCCTCAGGGTCCTTGGGCCTCACAGGCACTTTCTCTTCCTCTTCCACAAGTGGACC-3'
Protein context (NP_004295.2, residues 1412-1432): PVRPKDPEGV[Pro1422Ala]PLLVSQQAKR